The following is an entry in ClinVar:

NM_015629.4(PRPF31):c.1374+642_1374+647del

Gene: PRPF31 (pre-mRNA processing factor 31; plus strand). Cytogenetic location: 19q13.42.
Variant type: Deletion.
Coding change: c.1374+642_1374+647del on transcript NM_015629.4 (MANE Select); bases 642 to 647 of the intron after coding-DNA position 1374, 6 bases deleted (GGGCGC; older notation c.1374+642_1374+647delGGGCGC).
Molecular consequence: intron variant.
Genome position (GRCh38, 1-based): chr19:54,130,012-54,130,017, GGGCGC deleted; deleting any 6 consecutive bases within chr19:54,130,011-54,130,017 gives the same sequence; the c. name uses the placement nearest the transcript's 3' end. VCF-style (leftmost placement, unchanged base first): chr19-54130010-CCGGGCG-C. GRCh37 (hg19) VCF-style: chr19-54633385-CCGGGCG-C.
Identifiers: ClinVar variation 4981087 (VCV004981087.1).

ClinVar aggregate classification (germline): Likely benign (1 of 4 stars; one submission).

Conditions:
PRPF31-related disorder. Also called: PRPF31-related condition.

Submission:

PreventionGenetics, part of Exact Sciences
Classification: Likely benign for PRPF31-related condition. Last evaluated: 2025-04-21. Review status: criteria provided, single submitter. Criteria: ACMG Guidelines, 2015. Collection method: clinical testing. Allele origin: germline.
Comment: This variant is classified as likely benign based on ACMG/AMP sequence variant interpretation guidelines (Richards et al. 2015 PMID: 25741868, with internal and published modifications).